The following is an entry in ClinVar:

NM_001036.6(RYR3):c.8005C>T (p.Arg2669Cys)

Gene: RYR3 (ryanodine receptor 3; plus strand). Cytogenetic location: 15q14.
Variant type: single nucleotide variant.
Coding change: c.8005C>T on transcript NM_001036.6 (MANE Select); coding-DNA position 8005, C replaced by T.
Protein change: p.Arg2669Cys; replaces arginine 2669 with cysteine.
Molecular consequence: missense variant.
Genome position (GRCh38, 1-based): chr15:33,748,129, C>T. VCF-style: chr15-33748129-C-T. GRCh37 (hg19) VCF-style: chr15-34040330-C-T.
Other names: c.8005C>T, p.Arg2669Cys (NM_001243996.4); short protein forms R2669C.
Identifiers: ClinVar variation 4533596 (VCV004533596.6).

ClinVar aggregate classification (germline): Uncertain significance (1 of 4 stars; one submission).

gnomAD v4.1: 29 of 1,613,552 alleles (0.0018%); highest among the groups gnomAD compares: Non-Finnish European, 0.0021%; no homozygotes.

Submission:

CeGaT Center for Human Genetics Tuebingen
Classification: Uncertain significance. Last evaluated: 2025-11-01. Review status: criteria provided, single submitter. Criteria: CeGaT Center For Human Genetics Tuebingen Variant Classification Criteria Version 2. Collection method: clinical testing. Allele origin: germline. Affected: yes. Observed: 1 variant allele.
Comment: RYR3: PM2